The following is an entry in ClinVar:

ClinVar aggregate classification (germline): Uncertain significance (0 of 4 stars; one submission).

Conditions:
Autism (AUTS). Also called: Autistic disorder of childhood onset; Autistic disorder. Identifiers: MedGen C0004352, MeSH D001321, MONDO:0005260, OMIM 209850, HP:0000717.

gnomAD v4.1: 6 of 1,608,558 alleles (0.00037%); highest among the groups gnomAD compares: South Asian, 0.0066%; no homozygotes.

Submission:

Centre for Addiction & Mental Health
Classification: Uncertain significance for Autism. Review status: no assertion criteria provided. Collection method: research. Allele origin: biparental. Affected: yes. Observed: 1 homozygote. Segregation with disease observed.
Comment: Gene not previously associated with disease; independent supportng evidence needed

NM_172365.3(PPP1R36):c.270-1G>C

Gene: PPP1R36 (protein phosphatase 1 regulatory subunit 36; plus strand). Cytogenetic location: 14q23.3.
Variant type: single nucleotide variant.
Coding change: c.270-1G>C on transcript NM_172365.3 (MANE Select); the canonical splice acceptor site of the intron before coding-DNA position 270, G replaced by C.
Molecular consequence: splice acceptor variant.
Genome position (GRCh38, 1-based): chr14:64,565,356, G>C. VCF-style: chr14-64565356-G-C. GRCh37 (hg19) VCF-style: chr14-65032074-G-C.
Identifiers: ClinVar variation 3338219 (VCV003338219.2).
Genomic context (GRCh38, chr14:64,565,356, plus strand): 5'-TAGATTAAATACAACTAAAATATATTAAAACACTACTAGAAACTGTTATATTCCAAAACA[G>C]GTTGACAGATAAAAGACTTGCTGCAAAAGATGATAAGTCAGCTAAAGCTGTAGAGAAACG-3'